The following is an entry in ClinVar:

ClinVar aggregate classification (germline): Uncertain significance (1 of 4 stars; one submission).

Conditions:
Bethlem myopathy 1A. Also called: Bethlem Muscular Dystrophy; Bethlem myopathy 1; MYOPATHY, BENIGN CONGENITAL, WITH CONTRACTURES. Identifiers: Orphanet 610, MedGen CN029274, MONDO:0024530, OMIM 158810.

Submission:

Labcorp Genetics (formerly Invitae), Labcorp
Classification: Uncertain significance for Bethlem myopathy 1A. Last evaluated: 2020-03-06. Review status: criteria provided, single submitter. Criteria: Invitae Variant Classification Sherloc (09022015). Collection method: clinical testing. Allele origin: germline.
Comment: This sequence change falls in intron 23 of the COL6A3 gene. It does not directly change the encoded amino acid sequence of the COL6A3 protein, but it affects a nucleotide within the consensus splice site of the intron. In summary, the available evidence is currently insufficient to determine the role of this variant in disease. Therefore, it has been classified as a Variant of Uncertain Significance. Nucleotide substitutions within the consensus splice site are a relatively common cause of aberrant splicing (PMID: 17576681, 9536098). Algorithms developed to predict the effect of sequence changes on RNA splicing suggest that this variant may disrupt the consensus splice site, but this prediction has not been confirmed by published transcriptional studies. This variant has not been reported in the literature in individuals with COL6A3-related disease. This variant is not present in population databases (ExAC no frequency).

Literature cited by the submitters: PubMed 17576681; PubMed 9536098.

NM_004369.4(COL6A3):c.6591+5G>A

Gene: COL6A3 (collagen type VI alpha 3 chain; minus strand). Cytogenetic location: 2q37.3.
Variant type: single nucleotide variant.
Coding change: c.6591+5G>A on transcript NM_004369.4 (MANE Select); 5 bases into the intron after coding-DNA position 6591, G replaced by A.
Molecular consequence: intron variant.
Genome position (GRCh38, 1-based): chr2:237,357,333, C>T on the plus strand (G>A on the coding strand, the complement: COL6A3 is on the minus strand). VCF-style: chr2-237357333-C-T. GRCh37 (hg19) VCF-style: chr2-238265976-C-T.
Other names: c.4770+5G>A (NM_057166.5); c.5973+5G>A (NM_057167.4).
Identifiers: ClinVar variation 639474 (VCV000639474.7), dbSNP rs1574971639, ClinGen allele CA915941783.
Genomic context (GRCh38, chr2:237,357,333, plus strand): 5'-TGTTGGGCAGATCTTATGGCACTAAGAATTGTCACAGAGCCCCCCAAAGCCCTAATGGCA[C>T]TCACATTCTTCCCAGTTTCTCCAGGTCCTCCAGGTACTCCATCTCTCCCTGGGACACCCT-3'